The following is an entry in ClinVar:

ClinVar aggregate classification (germline): Likely benign. Review status: criteria provided, multiple submitters, no conflicts (2 of 4 stars). 2 submissions from 2 submitters: Likely benign (2). Last evaluated 2018-06-16.

Allele frequency attached by ClinVar (database versions not stated): gnomAD exomes 0.00056 and 0.00146; ExAC 0.00183; 1000 Genomes Project 0.00559; gnomAD 0.00574 and 0.00611; TOPMed 0.00626; 1000 Genomes Project 30x 0.00640; ESP Exome Variant Server 0.00654.
gnomAD v4.1: 1,728 of 1,613,132 alleles (0.11%); highest among the groups gnomAD compares: African/African-American, 2%; 17 homozygotes.

Submissions (2):

GeneDx
Classification: Likely benign. Last evaluated: 2018-06-16. Review status: criteria provided, single submitter. Criteria: GeneDx Variant Classification (06012015). Collection method: clinical testing. Allele origin: germline. Affected: yes.
Comment: This variant is considered likely benign or benign based on one or more of the following criteria: it is a conservative change, it occurs at a poorly conserved position in the protein, it is predicted to be benign by multiple in silico algorithms, and/or has population frequency not consistent with disease.

Breakthrough Genomics
Classification: Likely benign. Review status: criteria provided, single submitter. Criteria: ACMG Guidelines, 2015. Collection method: not provided. Allele origin: germline. Inheritance: Autosomal dominant inheritance. Affected: yes.

NM_000069.3(CACNA1S):c.259-43C>T

Gene: CACNA1S (calcium voltage-gated channel subunit alpha1 S; minus strand). Cytogenetic location: 1q32.1.
Variant type: single nucleotide variant.
Coding change: c.259-43C>T on transcript NM_000069.3 (MANE Select); 43 bases into the intron before coding-DNA position 259, C replaced by T.
Molecular consequence: intron variant.
Genome position (GRCh38, 1-based): chr1:201,094,064, G>A on the plus strand (C>T on the coding strand, the complement: CACNA1S is on the minus strand). VCF-style: chr1-201094064-G-A. GRCh37 (hg19) VCF-style: chr1-201063192-G-A.
Identifiers: ClinVar variation 679004 (VCV000679004.2), dbSNP rs114176807, ClinGen allele CA079121.